The following is an entry in ClinVar:

NC_012920.1(MT-ND5):m.13816A>G

Gene: MT-ND5 (mitochondrially encoded NADH dehydrogenase 5; plus strand).
Variant type: single nucleotide variant.
Genome position: chrM-13816-A-G.
Identifiers: ClinVar variation 693616 (VCV000693616.1), dbSNP rs1603224365, ClinGen allele CA414819644.
Genomic context (GRCh38, chrMT:13,816, plus strand): 5'-CCCGCATCCCCCTTCCAAACAACAATCCCCCTCTACCTAAAACTCACAGCCCTCGCTGTC[A>G]CTTTCCTAGGACTTCTAACAGCCCTAGACCTCAACTACCTAACCAACAAACTTAAAATAA-3'

ClinVar aggregate classification (germline): Likely benign (1 of 4 stars; one submission).

Conditions:
Leigh syndrome (NULS). Also called: Leigh's necrotizing encephalopathy; Leigh's disease; Leigh's syndrome; LEIGH SYNDROME, NUCLEAR; Leigh Syndrome (mtDNA deletion); Leigh Disease. Identifiers: Orphanet 506, MedGen C2931891, MONDO:0009723, OMIM 256000.

Submission:

Wong Mito Lab, Molecular and Human Genetics, Baylor College of Medicine
Classification: Likely benign for Leigh syndrome. Last evaluated: 2019-10-17. Review status: criteria provided, single submitter. Criteria: Modified ACMG Guidelines (Unpublished). Collection method: clinical testing. Allele origin: germline.
Comment: The NC_012920.1:m.13816A>G (YP_003024036.1:p.Thr494Ala) variant in MTND5 gene is interpretated to be a Likely Benign variant based on the modified ACMG guidelines (unpublished). This variant meets the following evidence codes: BS4, BP4